The following is an entry in ClinVar:

ClinVar aggregate classification (germline): Likely benign. Review status: criteria provided, single submitter (1 of 4 stars). 2 submissions from 2 submitters: Likely benign (1). 1 of the submissions does not count toward it. Last evaluated 2022-09-01.

Conditions:
KBG syndrome (KBGS). Also called: ANKRD11-Related KBG Syndrome. Identifiers: Orphanet 2332, MedGen C0220687, MONDO:0007846, OMIM 148050.
ANKRD11-related disorder. Also called: ANKRD11-related condition.

Allele frequency attached by ClinVar (database versions not stated): TOPMed below 0.00001; ExAC 0.00002; gnomAD 0.00002; ESP Exome Variant Server 0.00008.
gnomAD v4.1: 55 of 1,610,620 alleles (0.0034%); highest among the groups gnomAD compares: Middle Eastern, 0.016%; no homozygotes.

Submissions (2):

Labcorp Genetics (formerly Invitae), Labcorp
Classification: Likely benign for KBG syndrome. Last evaluated: 2022-09-01. Review status: criteria provided, single submitter. Criteria: Invitae Variant Classification Sherloc (09022015). Collection method: clinical testing. Allele origin: germline.

PreventionGenetics, part of Exact Sciences
Classification: Likely benign for ANKRD11-related condition. Last evaluated: 2019-05-08. Review status: no assertion criteria provided. Collection method: clinical testing. Allele origin: germline. Not counted in ClinVar's aggregate classification.
Comment: This variant is classified as likely benign based on ACMG/AMP sequence variant interpretation guidelines (Richards et al. 2015 PMID: 25741868, with internal and published modifications).

NM_013275.6(ANKRD11):c.2967C>T (p.Ser989=)

Gene: ANKRD11 (ankyrin repeat domain 11; minus strand). Cytogenetic location: 16q24.3.
Variant type: single nucleotide variant.
Coding change: c.2967C>T on transcript NM_013275.6 (MANE Select); coding-DNA position 2967, C replaced by T.
Protein change: p.Ser989=; no amino-acid change (serine 989 retained).
Molecular consequence: synonymous variant.
Genome position (GRCh38, 1-based): chr16:89,283,575, G>A on the plus strand (C>T on the coding strand, the complement: ANKRD11 is on the minus strand). VCF-style: chr16-89283575-G-A. GRCh37 (hg19) VCF-style: chr16-89349983-G-A.
Other names: c.2967C>T (NM_013275.5); c.2967C>T, p.Ser989= (NM_001256182.2, NM_001256183.2).
Identifiers: ClinVar variation 2062493 (VCV002062493.6), dbSNP rs375678160, ClinGen allele CA8242461.
Genomic context (GRCh38, chr16:89,283,575, plus strand): 5'-CTTCTCTCGTGCTGGGTGGTGCCGTTCCCACGGCTCCAGGCCCTTCCCAAAGTCGCCGTC[G>A]GACTTGTCCTTGAAGCCACTCTCGCAGCCACACTCCTTCAGCTCCTCCCGGTGCGCCTCC-3'
Protein context (NP_037407.4, residues 979-999): CGCESGFKDK[Ser989=]DGDFGKGLEP